The following is an entry in ClinVar:

ClinVar aggregate classification (germline): Uncertain significance (1 of 4 stars; one submission).

gnomAD v4.1: 1 of 1,613,426 alleles (0.000062%); highest among the groups gnomAD compares: East Asian, 0.0022%; no homozygotes.

Submission:

Labcorp Genetics (formerly Invitae), Labcorp
Classification: Uncertain significance. Last evaluated: 2024-06-06. Review status: criteria provided, single submitter. Criteria: Invitae Variant Classification Sherloc (09022015). Collection method: clinical testing. Allele origin: germline.
Comment: This sequence change replaces glycine, which is neutral and non-polar, with glutamic acid, which is acidic and polar, at codon 179 of the MYLK3 protein (p.Gly179Glu). This variant is not present in population databases (gnomAD no frequency). This variant has not been reported in the literature in individuals affected with MYLK3-related conditions. An algorithm developed to predict the effect of missense changes on protein structure and function (PolyPhen-2) suggests that this variant is likely to be disruptive. In summary, the available evidence is currently insufficient to determine the role of this variant in disease. Therefore, it has been classified as a Variant of Uncertain Significance.

NM_182493.3(MYLK3):c.536G>A (p.Gly179Glu)

Gene: MYLK3 (myosin light chain kinase 3; minus strand). Cytogenetic location: 16q11.2.
Variant type: single nucleotide variant.
Coding change: c.536G>A on transcript NM_182493.3 (MANE Select); coding-DNA position 536, G replaced by A.
Protein change: p.Gly179Glu; replaces glycine 179 with glutamic acid.
Molecular consequence: missense variant. On other transcripts: 5 prime UTR variant (1).
Genome position (GRCh38, 1-based): chr16:46,740,089, C>T on the plus strand (G>A on the coding strand, the complement: MYLK3 is on the minus strand). VCF-style: chr16-46740089-C-T. GRCh37 (hg19) VCF-style: chr16-46774001-C-T.
Other names: c.-55G>A (NM_001308301.1); short protein forms G179E.
Identifiers: ClinVar variation 3610088 (VCV003610088.2).